The following is an entry in ClinVar:

ClinVar aggregate classification (germline): Uncertain significance (1 of 4 stars; one submission).

Submission:

Labcorp Genetics (formerly Invitae), Labcorp
Classification: Uncertain significance. Last evaluated: 2024-02-24. Review status: criteria provided, single submitter. Criteria: Invitae Variant Classification Sherloc (09022015). Collection method: clinical testing. Allele origin: germline.
Comment: This sequence change replaces threonine, which is neutral and polar, with alanine, which is neutral and non-polar, at codon 824 of the DNA2 protein (p.Thr824Ala). This variant is not present in population databases (gnomAD no frequency). This variant has not been reported in the literature in individuals affected with DNA2-related conditions. ClinVar contains an entry for this variant (Variation ID: 2047855). Advanced modeling of protein sequence and biophysical properties (such as structural, functional, and spatial information, amino acid conservation, physicochemical variation, residue mobility, and thermodynamic stability) has been performed at Invitae for this missense variant, however the output from this modeling did not meet the statistical confidence thresholds required to predict the impact of this variant on DNA2 protein function. In summary, the available evidence is currently insufficient to determine the role of this variant in disease. Therefore, it has been classified as a Variant of Uncertain Significance.

NM_001080449.3(DNA2):c.2470A>G (p.Thr824Ala)

Gene: DNA2 (DNA replication helicase/nuclease 2; minus strand). Cytogenetic location: 10q21.3.
Variant type: single nucleotide variant.
Coding change: c.2470A>G on transcript NM_001080449.3 (MANE Select); coding-DNA position 2470, A replaced by G.
Protein change: p.Thr824Ala; replaces threonine 824 with alanine.
Molecular consequence: missense variant. On other transcripts: non-coding transcript variant (1).
Genome position (GRCh38, 1-based): chr10:68,422,537, T>C on the plus strand (A>G on the coding strand, the complement: DNA2 is on the minus strand). VCF-style: chr10-68422537-T-C. GRCh37 (hg19) VCF-style: chr10-70182294-T-C.
Other names: short protein forms T824A.
Identifiers: ClinVar variation 2047855 (VCV002047855.4), dbSNP rs2493903220, ClinGen allele CA376847065.